The following is an entry in ClinVar:

ClinVar aggregate classification (germline): Likely benign (1 of 4 stars; one submission).

Submission:

CeGaT Center for Human Genetics Tuebingen
Classification: Likely benign. Last evaluated: 2022-05-01. Review status: criteria provided, single submitter. Criteria: CeGaT Center For Human Genetics Tuebingen Variant Classification Criteria Version 2. Collection method: clinical testing. Allele origin: germline. Affected: yes. Observed: 1 variant allele.
Comment: TTN: PM2:Supporting, BP4, BP7

NM_001267550.2(TTN):c.72810T>A (p.Ile24270=)

Genes: TTN (titin; minus strand), TTN-AS1 (TTN antisense RNA 1; plus strand). Cytogenetic location: 2q31.2.
Variant type: single nucleotide variant.
Coding change: c.72810T>A on transcript NM_001267550.2 (MANE Select); coding-DNA position 72810, T replaced by A.
Protein change: p.Ile24270=; no amino-acid change (isoleucine 24270 retained).
Molecular consequence: synonymous variant.
Genome position (GRCh38, 1-based): chr2:178,573,322, A>T on the plus strand (T>A on the coding strand, the complement: TTN is on the minus strand). VCF-style: chr2-178573322-A-T. GRCh37 (hg19) VCF-style: chr2-179438049-A-T.
Other names: c.67887T>A, p.Ile22629= (NM_001256850.1); c.45615T>A, p.Ile15205= (NM_003319.4); c.65106T>A, p.Ile21702= (NM_133378.4); c.45990T>A, p.Ile15330= (NM_133432.3); c.46191T>A, p.Ile15397= (NM_133437.4).
Identifiers: ClinVar variation 1694988 (VCV001694988.31), dbSNP rs2154170757, ClinGen allele CA430256955.